The following is an entry in ClinVar:

NM_001267550.2(TTN):c.65575+10T>C

Genes: TTN (titin; minus strand), TTN-AS1 (TTN antisense RNA 1; plus strand). Cytogenetic location: 2q31.2.
Variant type: single nucleotide variant.
Coding change: c.65575+10T>C on transcript NM_001267550.2 (MANE Select); 10 bases into the intron after coding-DNA position 65575, T replaced by C.
Molecular consequence: intron variant. On other transcripts: non-coding transcript variant (1).
Genome position (GRCh38, 1-based): chr2:178,583,597, A>G on the plus strand (T>C on the coding strand, the complement: TTN is on the minus strand). VCF-style: chr2-178583597-A-G. GRCh37 (hg19) VCF-style: chr2-179448324-A-G.
Other names: p.?; c.38380+10T>C (NM_003319.4); c.38956+10T>C (NM_133437.4); c.38755+10T>C (NM_133432.3); c.57871+10T>C (NM_133378.4); c.60652+10T>C (NM_001256850.1).
Identifiers: ClinVar variation 47224 (VCV000047224.39), dbSNP rs72646864, ClinGen allele CA344682.
Genomic context (GRCh38, chr2:178,583,597, plus strand): 5'-TTTTTATTAGGAAAAATGACCATCATGAATGCTGTTACATCTTTGCCTATAATACTCAGC[A>G]GAATCTTACCATTTTCTGCGAGGATAGTCACTGGATCAGAAGGTTCAGAAGGTGGGCTAA-3'

ClinVar aggregate classification (germline): Conflicting classifications of pathogenicity. Review status: criteria provided, conflicting classifications (1 of 4 stars). 18 submissions from 14 submitters: Uncertain significance (3); Benign (3); Likely benign (7). 5 of the submissions do not count toward it. Last evaluated 2026-01-15.

Conditions:
TTN-related disorder. Also called: TTN-related condition; TTN-related disease; TTN-related disorders.
Autosomal recessive limb-girdle muscular dystrophy type 2J (LGMDR10). Also called: Limb-girdle muscular dystrophy, type 2J; MUSCULAR DYSTROPHY, LIMB-GIRDLE, AUTOSOMAL RECESSIVE 10. Identifiers: Orphanet 140922, MedGen C1837342, MONDO:0012127, OMIM 608807.
Dilated cardiomyopathy 1G (CMD1G). Identifiers: Orphanet 154, MedGen C1858763, MONDO:0011400, OMIM 604145.
Cardiomyopathy (CMYO). Also called: Cardiomyopathies. Identifiers: Orphanet 167848, MedGen C0878544, MONDO:0004994, HP:0001638. Inheritance: Various modes of inheritance.
Early-onset myopathy with fatal cardiomyopathy (CMYO5). Also called: Salih Myopathy; CONGENITAL MYOPATHY 5 WITH CARDIOMYOPATHY. Identifiers: Orphanet 289377, MedGen C2673677, MONDO:0012714, OMIM 611705. Disease mechanism: loss of function.
Myopathy, myofibrillar, 9, with early respiratory failure (MFM9). Also called: Hereditary myopathy with early respiratory failure; EDSTROM MYOPATHY; MYOPATHY, PROXIMAL, WITH EARLY RESPIRATORY MUSCLE INVOLVEMENT; Myopathy, distal, with early respiratory failure, autosomal dominant. Identifiers: Orphanet 178464, Orphanet 34521, MedGen C1863599, MONDO:0011362, OMIM 603689.
Tibial muscular dystrophy (TMD). Also called: UDD MYOPATHY; Udd Distal Myopathy – Tibial Muscular Dystrophy; Tibial muscular dystrophy, tardive. Identifiers: Orphanet 609, MedGen C1838244, MONDO:0010870, OMIM 600334.

Allele frequency attached by ClinVar (database versions not stated): gnomAD 0.00017 and 0.00018; TOPMed 0.00019; 1000 Genomes Project 0.00020; gnomAD exomes 0.00024 and 0.00026; ExAC 0.00036; ESP Exome Variant Server 0.00042; 1000 Genomes Project 30x 0.00047.
gnomAD v4.1: 368 of 1,584,638 alleles (0.023%); highest among the groups gnomAD compares: Non-Finnish European, 0.029%; no homozygotes.

Submissions (18):

Labcorp Genetics (formerly Invitae), Labcorp
Classification: Likely benign for Dilated cardiomyopathy 1G; Autosomal recessive limb-girdle muscular dystrophy type 2J. Last evaluated: 2026-01-15. Review status: criteria provided, single submitter. Criteria: Invitae Variant Classification Sherloc (09022015). Collection method: clinical testing. Allele origin: germline.

Mayo Clinic Laboratories, Mayo Clinic
Classification: Likely benign. Last evaluated: 2025-10-22. Review status: criteria provided, single submitter. Criteria: ACMG Guidelines, 2015. Collection method: clinical testing. Allele origin: germline. Observed: 4 variant alleles.
Comment: BS1, BP4, BP7

Women's Health and Genetics/Laboratory Corporation of America, LabCorp
Classification: Likely benign. Last evaluated: 2024-12-12. Review status: criteria provided, single submitter. Criteria: LabCorp Variant Classification Summary - May 2015. Collection method: clinical testing. Allele origin: germline.

Blueprint Genetics
Classification: Likely benign. Last evaluated: 2024-11-07. Review status: criteria provided, single submitter. Criteria: ACMG Guidelines, 2015. Collection method: clinical testing. Allele origin: germline.

CHEO Genetics Diagnostic Laboratory, Children's Hospital of Eastern Ontario
Classification: Likely benign for Cardiomyopathy. Last evaluated: 2021-10-26. Review status: criteria provided, single submitter. Criteria: ACMG Guidelines, 2015. Collection method: clinical testing. Allele origin: germline.

ARUP Laboratories, Molecular Genetics and Genomics, ARUP Laboratories
Classification: Likely benign. Last evaluated: 2018-11-13. Review status: criteria provided, single submitter. Criteria: ARUP Molecular Germline Variant Investigation Process. Collection method: clinical testing. Allele origin: germline.

Illumina Laboratory Services, Illumina
Classification: Uncertain significance for Early-onset myopathy with fatal cardiomyopathy. Last evaluated: 2018-01-13. Review status: criteria provided, single submitter. Criteria: ICSL Variant Classification Criteria 13 December 2019. Collection method: clinical testing. Allele origin: germline.

Illumina Laboratory Services, Illumina
Classification: Benign for Tibial muscular dystrophy. Last evaluated: 2018-01-13. Review status: criteria provided, single submitter. Criteria: ICSL Variant Classification Criteria 13 December 2019. Collection method: clinical testing. Allele origin: germline.
Comment: This variant was observed in the ICSL laboratory as part of a predisposition screen in an ostensibly healthy population. It had not been previously curated by ICSL or reported in the Human Gene Mutation Database (HGMD: prior to June 1st, 2018), and was therefore a candidate for classification through an automated scoring system. Utilizing variant allele frequency, disease prevalence and penetrance estimates, and inheritance mode, an automated score was calculated to assess if this variant is too frequent to cause the disease. Based on the score and internal cut-off values, a variant classified as benign is not then subjected to further curation. The score for this variant resulted in a classification of benign for this disease.

Illumina Laboratory Services, Illumina
Classification: Uncertain significance for Dilated cardiomyopathy 1G. Last evaluated: 2018-01-13. Review status: criteria provided, single submitter. Criteria: ICSL Variant Classification Criteria 13 December 2019. Collection method: clinical testing. Allele origin: germline.

Illumina Laboratory Services, Illumina
Classification: Benign for Myopathy, myofibrillar, 9, with early respiratory failure. Last evaluated: 2018-01-13. Review status: criteria provided, single submitter. Criteria: ICSL Variant Classification Criteria 13 December 2019. Collection method: clinical testing. Allele origin: germline.
Comment: the same text as in the submission from Illumina Laboratory Services, Illumina above.

Illumina Laboratory Services, Illumina
Classification: Uncertain significance for Autosomal recessive limb-girdle muscular dystrophy type 2J. Last evaluated: 2018-01-13. Review status: criteria provided, single submitter. Criteria: ICSL Variant Classification Criteria 13 December 2019. Collection method: clinical testing. Allele origin: germline.

GeneDx
Classification: Benign. Last evaluated: 2015-05-27. Review status: criteria provided, single submitter. Criteria: GeneDx Variant Classification (06012015). Collection method: clinical testing. Allele origin: germline. Affected: yes.
Comment: This variant is considered likely benign or benign based on one or more of the following criteria: it is a conservative change, it occurs at a poorly conserved position in the protein, it is predicted to be benign by multiple in silico algorithms, and/or has population frequency not consistent with disease.

Laboratory for Molecular Medicine, Mass General Brigham Personalized Medicine
Classification: Likely benign. Last evaluated: 2012-03-19. Review status: criteria provided, single submitter. Criteria: LMM Criteria. Collection method: clinical testing. Allele origin: germline. Observed: 3 variant alleles.
Comment: 57871+10T>C in intron 261 of TTN: This variant is not expected to have clinical significance because it is not located within the splice consensus sequence. It has been identified in 2/6598 European American chromosomes from a broad populat ion by the NHLBI Exome Sequencing Project (dbS NP rs72646864). 57871+10T>C in intron 261 of TTN (rs72646864; allele frequency = 2/6598) **

PreventionGenetics, part of Exact Sciences
Classification: Likely benign for TTN-related condition. Last evaluated: 2023-06-29. Review status: no assertion criteria provided. Collection method: clinical testing. Allele origin: germline. Not counted in ClinVar's aggregate classification.
Comment: This variant is classified as likely benign based on ACMG/AMP sequence variant interpretation guidelines (Richards et al. 2015 PMID: 25741868, with internal and published modifications).

Clinical Genetics DNA and cytogenetics Diagnostics Lab, Erasmus MC, Erasmus Medical Center
Classification: Likely benign. Review status: no assertion criteria provided. Collection method: clinical testing. Allele origin: germline. Affected: yes. Study: VKGL Data-share Consensus. Not counted in ClinVar's aggregate classification.

Clinical Genetics, Academic Medical Center
Classification: Benign. Review status: no assertion criteria provided. Collection method: clinical testing. Allele origin: germline. Affected: yes. Study: VKGL Data-share Consensus. Not counted in ClinVar's aggregate classification.

Genome Diagnostics Laboratory, University Medical Center Utrecht
Classification: Likely benign. Review status: no assertion criteria provided. Collection method: clinical testing. Allele origin: germline. Affected: yes. Study: VKGL Data-share Consensus. Not counted in ClinVar's aggregate classification.

Joint Genome Diagnostic Labs from Nijmegen and Maastricht, Radboudumc and MUMC+
Classification: Likely benign. Review status: no assertion criteria provided. Collection method: clinical testing. Allele origin: germline. Affected: yes. Study: VKGL Data-share Consensus. Not counted in ClinVar's aggregate classification.